The following is an entry in ClinVar:

NM_002973.3(ATXN2):c.74G>A

Gene: ATXN2 (ataxin 2; minus strand). Cytogenetic location: 12q24.12.
Variant type: single nucleotide variant.
Coding change: c.74G>A on transcript NM_002973.3; coding-DNA position 74, G replaced by A.
Molecular consequence: intron variant (on NM_001310123.1).
Genome position (GRCh38, 1-based): chr12:111,599,441, C>T on the plus strand (G>A on the coding strand, the complement: ATXN2 is on the minus strand). VCF-style: chr12-111599441-C-T. GRCh37 (hg19) VCF-style: chr12-112037245-C-T.
Other names: c.-28+134G>A (NM_001310123.1); c.-65+134G>A (NM_001310121.1).
Identifiers: ClinVar variation 4984329 (VCV004984329.1).
Genomic context (GRCh38, chr12:111,599,441, plus strand): 5'-GCGCCACCGCCGCCCCGCCCGCTCCGCCGCGCCGGCCGCTGGAGCGAGCGCCACCCGGGC[C>T]ACCTGGCTGCGGCGAAGCGGCGAGACTCGGTGGCCACCGCGGGACTCCGAGGAGCTGCGG-3'

ClinVar aggregate classification (germline): Uncertain significance (1 of 4 stars; one submission).

Conditions:
ATXN2-related disorder. Also called: ATXN2-related condition.

gnomAD v4.1: 12 of 1,194,964 alleles (0.001%); highest among the groups gnomAD compares: Non-Finnish European, 0.0012%; no homozygotes.

Submission:

PreventionGenetics, part of Exact Sciences
Classification: Uncertain significance for ATXN2-related condition. Last evaluated: 2024-12-13. Review status: criteria provided, single submitter. Criteria: ACMG Guidelines, 2015. Collection method: clinical testing. Allele origin: germline.
Comment: The ATXN2 c.74G>A variant is predicted to result in premature protein termination (p.Trp25*). To our knowledge, this variant has not been reported in the literature or in a large population database (gnomAD), indicating this variant is rare. At this time, the clinical significance of this variant is uncertain due to the absence of conclusive functional and genetic evidence.